The following is an entry in ClinVar:

ClinVar aggregate classification (germline): Uncertain significance (1 of 4 stars; one submission).

Conditions:
Neuropathy, hereditary sensory and autonomic, type 2A (HSAN2A). Also called: ACROOSTEOLYSIS, GIACCAI TYPE; ACROOSTEOLYSIS, NEUROGENIC; WNK1-Related HSAN2 (HSAN2A); MORVAN DISEASE; NEUROPATHY, CONGENITAL SENSORY; NEUROPATHY, HEREDITARY SENSORY RADICULAR, AUTOSOMAL RECESSIVE. Identifiers: Orphanet 970, MedGen C2752089, MONDO:0024309, OMIM 201300.
Generalized epilepsy with febrile seizures plus, type 7 (GEFSP7). Also called: GEFS+, TYPE 7. Identifiers: Orphanet 36387, MedGen C2751778, MONDO:0013470, OMIM 613863.

Allele frequency attached by ClinVar (database versions not stated): gnomAD exomes below 0.00001; gnomAD 0.00001; TOPMed 0.00002.

Submission:

Labcorp Genetics (formerly Invitae), Labcorp
Classification: Uncertain significance for Neuropathy, hereditary sensory and autonomic, type 2A; Generalized epilepsy with febrile seizures plus, type 7. Last evaluated: 2025-10-15. Review status: criteria provided, single submitter. Criteria: Invitae Variant Classification Sherloc (09022015). Collection method: clinical testing. Allele origin: germline.
Comment: This sequence change replaces methionine, which is neutral and non-polar, with threonine, which is neutral and polar, at codon 1190 of the SCN9A protein (p.Met1190Thr). This variant is not present in population databases (gnomAD no frequency). This variant has not been reported in the literature in individuals affected with SCN9A-related conditions. ClinVar contains an entry for this variant (Variation ID: 2932570). Invitae Evidence Modeling of protein sequence and biophysical properties (such as structural, functional, and spatial information, amino acid conservation, physicochemical variation, residue mobility, and thermodynamic stability) indicates that this missense variant is not expected to disrupt SCN9A protein function with a negative predictive value of 80%. In summary, the available evidence is currently insufficient to determine the role of this variant in disease. Therefore, it has been classified as a Variant of Uncertain Significance.

NM_001365536.1(SCN9A):c.3602T>C (p.Met1201Thr)

Genes: SCN9A (sodium voltage-gated channel alpha subunit 9; minus strand), SCN1A-AS1 (SCN1A and SCN9A antisense RNA 1; plus strand). Cytogenetic location: 2q24.3.
Variant type: single nucleotide variant.
Coding change: c.3602T>C on transcript NM_001365536.1 (MANE Select); coding-DNA position 3602, T replaced by C.
Protein change: p.Met1201Thr; replaces methionine 1201 with threonine.
Molecular consequence: missense variant.
Genome position (GRCh38, 1-based): chr2:166,242,527, A>G on the plus strand (T>C on the coding strand, the complement: SCN9A is on the minus strand). VCF-style: chr2-166242527-A-G. GRCh37 (hg19) VCF-style: chr2-167099037-A-G.
Other names: c.3569T>C, p.Met1190Thr (NM_002977.4); short protein forms M1190T, M1201T.
Identifiers: ClinVar variation 2932570 (VCV002932570.3), dbSNP rs913770757, ClinGen allele CA59814598.